The following is an entry in ClinVar:

ClinVar aggregate classification (germline): Likely pathogenic (1 of 4 stars; one submission).

Conditions:
Cohen syndrome (COH1). Also called: Cutis verticis gyrata, retinitis pigmentosa, and sensorineural deafness; PEPPER SYNDROME. Identifiers: Orphanet 193, MedGen C0265223, MONDO:0008999, OMIM 216550.

Submission:

Labcorp Genetics (formerly Invitae), Labcorp
Classification: Likely pathogenic for Cohen syndrome. Last evaluated: 2023-11-30. Review status: criteria provided, single submitter. Criteria: Invitae Variant Classification Sherloc (09022015). Collection method: clinical testing. Allele origin: germline.
Comment: This sequence change affects an acceptor splice site in intron 23 of the VPS13B gene. It is expected to disrupt RNA splicing. Variants that disrupt the donor or acceptor splice site typically lead to a loss of protein function (PMID: 16199547), and loss-of-function variants in VPS13B are known to be pathogenic (PMID: 15141358, 16648375, 20461111). This variant is not present in population databases (gnomAD no frequency). This variant has not been reported in the literature in individuals affected with VPS13B-related conditions. Algorithms developed to predict the effect of sequence changes on RNA splicing suggest that this variant may disrupt the consensus splice site. In summary, the currently available evidence indicates that the variant is pathogenic, but additional data are needed to prove that conclusively. Therefore, this variant has been classified as Likely Pathogenic.

Literature cited by the submitters: PubMed 16199547; PubMed 15141358; PubMed 16648375; PubMed 20461111.

NM_152564.5(VPS13B):c.3446-1G>A

Gene: VPS13B (vacuolar protein sorting 13 homolog B; plus strand). Cytogenetic location: 8q22.2.
Variant type: single nucleotide variant.
Coding change: c.3446-1G>A on transcript NM_152564.5 (MANE Select); the canonical splice acceptor site of the intron before coding-DNA position 3446, G replaced by A.
Molecular consequence: splice acceptor variant.
Genome position (GRCh38, 1-based): chr8:99,467,413, G>A. VCF-style: chr8-99467413-G-A. GRCh37 (hg19) VCF-style: chr8-100479641-G-A.
Other names: c.3446-1G>A (NM_017890.5).
Identifiers: ClinVar variation 2867754 (VCV002867754.3), dbSNP rs2490280894, ClinGen allele CA371865893.